The following is an entry in ClinVar:

NM_000179.3(MSH6):c.2487G>C (p.Gly829=)

Gene: MSH6 (mutS homolog 6; plus strand). Cytogenetic location: 2p16.3.
Variant type: single nucleotide variant.
Coding change: c.2487G>C on transcript NM_000179.3 (MANE Select); coding-DNA position 2487, G replaced by C.
Protein change: p.Gly829=; no amino-acid change (glycine 829 retained).
Molecular consequence: synonymous variant. On other transcripts: non-coding transcript variant (5), intron variant (3).
Genome position (GRCh38, 1-based): chr2:47,800,470, G>C. VCF-style: chr2-47800470-G-C. GRCh37 (hg19) VCF-style: chr2-48027609-G-C.
Other names: c.2097G>C, p.Gly699= (NM_001281492.2); c.1581G>C, p.Gly527= (NM_001281493.2, NM_001281494.2, NM_001406811.1 and 6 more transcripts); c.2583G>C, p.Gly861= (NM_001406795.1, NM_001406802.1); c.2487G>C, p.Gly829= (NM_001406796.1, NM_001406798.1, NM_001406800.1 and 2 more transcripts); c.2190G>C, p.Gly730= (NM_001406797.1, NM_001406801.1, NM_001406805.1 and 10 more transcripts); c.1962G>C, p.Gly654= (NM_001406799.1, NM_001406806.1, NM_001406807.1); c.2409G>C, p.Gly803= (NM_001406804.1); c.2493G>C, p.Gly831= (NM_001406813.1); and 4 more.
Identifiers: ClinVar variation 2134406 (VCV002134406.6), dbSNP rs1275700361, ClinGen allele CA426121497.

ClinVar aggregate classification (germline): Benign/Likely benign. Review status: criteria provided, multiple submitters, no conflicts (2 of 4 stars). 3 submissions from 3 submitters: Benign (1); Likely benign (2). Last evaluated 2025-07-11.

Conditions:
Hereditary nonpolyposis colorectal neoplasms. Identifiers: MedGen C0009405, MeSH D003123.
Lynch syndrome 5 (LYNCH5). Also called: Hereditary non-polyposis colorectal cancer, type 5; Colorectal cancer, hereditary nonpolyposis, type 5. Identifiers: Orphanet 144, MedGen C1833477, MONDO:0013710, OMIM 614350. Disease mechanism: loss of function.

Submissions (3):

Quest Diagnostics Nichols Institute San Juan Capistrano
Classification: Likely benign. Last evaluated: 2025-07-11. Review status: criteria provided, single submitter. Criteria: Quest Diagnostics criteria. Collection method: clinical testing. Allele origin: unknown.

Myriad Genetics, Inc.
Classification: Benign for Lynch syndrome 5. Last evaluated: 2024-12-31. Review status: criteria provided, single submitter. Criteria: Myriad Autosomal Dominant, Autosomal Recessive and X-Linked Classification Criteria (2023). Collection method: clinical testing. Allele origin: unknown.
Comment: This variant is considered benign. This variant is a silent/synonymous amino acid change and it is not expected to impact splicing.

Labcorp Genetics (formerly Invitae), Labcorp
Classification: Likely benign for Hereditary nonpolyposis colorectal neoplasms. Last evaluated: 2022-10-02. Review status: criteria provided, single submitter. Criteria: Invitae Variant Classification Sherloc (09022015). Collection method: clinical testing. Allele origin: germline.